The following is an entry in ClinVar:

NM_001953.5(TYMP):c.51_52del (p.Phe18fs)

Gene: TYMP (thymidine phosphorylase; minus strand). Cytogenetic location: 22q13.33.
Variant type: Deletion.
Coding change: c.51_52del on transcript NM_001953.5 (MANE Select); coding-DNA positions 51 to 52, 2 bases deleted (CT; older notation c.51_52delCT).
Protein change: p.Phe18fs; shifts the reading frame from phenylalanine 18.
Molecular consequence: frameshift variant.
Genome position (GRCh38, 1-based): chr22:50,529,658-50,529,659, AG deleted on the plus strand (CT on the coding strand, the reverse complement: TYMP is on the minus strand). VCF-style (leftmost placement, unchanged base first): chr22-50529657-AAG-A. GRCh37 (hg19) VCF-style: chr22-50968086-AAG-A.
Other names: c.51_52del, p.Phe18fs (NM_001113755.3, NM_001113756.3, NM_001257988.1 and 1 more transcripts); short protein forms F18fs.
Identifiers: ClinVar variation 5011510 (VCV005011510.1).

ClinVar aggregate classification (germline): Pathogenic (1 of 4 stars; one submission).

Conditions:
Mitochondrial DNA depletion syndrome 1. Also called: POLIP SYNDROME; POLYNEUROPATHY, OPHTHALMOPLEGIA, LEUKOENCEPHALOPATHY, AND INTESTINAL PSEUDOOBSTRUCTION; Mitochondrial Neurogastrointestinal Encephalopathy Disease; MITOCHONDRIAL NEUROGASTROINTESTINAL ENCEPHALOPATHY SYNDROME, TYMP-RELATED; MNGIE, TYMP-RELATED; Mitochondrial neurogastrointestinal encephalomyopathy syndrome. Identifiers: Orphanet 298, MedGen C4551995, MONDO:0011283, OMIM 603041.

Submission:

Myriad Genetics, Inc.
Classification: Pathogenic for Mitochondrial DNA depletion syndrome 1. Last evaluated: 2026-03-19. Review status: criteria provided, single submitter. Criteria: Myriad Autosomal Dominant, Autosomal Recessive and X-Linked Classification Criteria (2023). Collection method: clinical testing. Allele origin: unknown.
Comment: NM_001953.4(TYMP):c.51_52delCT(F18Lfs*105) is expected to be pathogenic in the context of mitochondrial neurogastrointestinal encephalopathy disease. This variant is predicted to lead to an abnormal or absent protein product due to the creation of a premature termination codon in TYMP, a gene where loss-of-function variants are known to be pathogenic. Please note: this variant was assessed in the context of healthy population screening.